The following is an entry in ClinVar:

ClinVar aggregate classification (germline): Uncertain significance (1 of 4 stars; one submission).

Conditions:
Pigmentary pallidal degeneration (NBIA1). Also called: Neurodegeneration with brain iron accumulation 1; Pantothenate Kinase-Associated Neurodegeneration; Neuroaxonal dystrophy, late infantile; Hallervorden-Spatz disease; HARP SYNDROME; PKAN NEUROAXONAL DYSTROPHY, JUVENILE-ONSET. Identifiers: Orphanet 157850, MedGen C0018523, MONDO:0009319, OMIM 234200.

Allele frequency attached by ClinVar (database versions not stated): TOPMed below 0.00001; ExAC 0.00001; gnomAD 0.00001; ESP Exome Variant Server 0.00008.
gnomAD v4.1: 1 of 1,613,960 alleles (0.000062%); highest among the groups gnomAD compares: African/African-American, 0.0013%; no homozygotes.

Submission:

Labcorp Genetics (formerly Invitae), Labcorp
Classification: Uncertain significance for Pigmentary pallidal degeneration. Last evaluated: 2022-09-27. Review status: criteria provided, single submitter. Criteria: Invitae Variant Classification Sherloc (09022015). Collection method: clinical testing. Allele origin: germline.
Comment: This sequence change replaces serine, which is neutral and polar, with asparagine, which is neutral and polar, at codon 477 of the PANK2 protein (p.Ser477Asn). The frequency data for this variant in the population databases is considered unreliable, as metrics indicate poor data quality at this position in the gnomAD database. This variant has not been reported in the literature in individuals affected with PANK2-related conditions. Advanced modeling of protein sequence and biophysical properties (such as structural, functional, and spatial information, amino acid conservation, physicochemical variation, residue mobility, and thermodynamic stability) performed at Invitae indicates that this missense variant is expected to disrupt PANK2 protein function. In summary, the available evidence is currently insufficient to determine the role of this variant in disease. Therefore, it has been classified as a Variant of Uncertain Significance.

NM_001386393.1(PANK2):c.1100G>A (p.Ser367Asn)

Gene: PANK2 (pantothenate kinase 2; plus strand). Cytogenetic location: 20p13.
Variant type: single nucleotide variant.
Coding change: c.1100G>A on transcript NM_001386393.1 (MANE Select); coding-DNA position 1100, G replaced by A.
Protein change: p.Ser367Asn; replaces serine 367 with asparagine.
Molecular consequence: missense variant. On other transcripts: non-coding transcript variant (1).
Genome position (GRCh38, 1-based): chr20:3,916,944, G>A. VCF-style: chr20-3916944-G-A. GRCh37 (hg19) VCF-style: chr20-3897591-G-A.
Other names: c.557G>A, p.Ser186Asn (NM_001324191.2, NM_024960.6, NM_153640.4); c.122G>A, p.Ser41Asn (NM_001324193.2); c.1430G>A, p.Ser477Asn (NM_153638.4); short protein forms S186N, S41N, S477N, S367N.
Identifiers: ClinVar variation 1998113 (VCV001998113.1), dbSNP rs375769508, ClinGen allele CA9750866.